The following is an entry in ClinVar:

NM_005908.4(MANBA):c.831A>G (p.Leu277=)

Gene: MANBA (mannosidase beta; minus strand). Cytogenetic location: 4q24.
Variant type: single nucleotide variant.
Coding change: c.831A>G on transcript NM_005908.4 (MANE Select); coding-DNA position 831, A replaced by G.
Protein change: p.Leu277=; no amino-acid change (leucine 277 retained).
Molecular consequence: synonymous variant.
Genome position (GRCh38, 1-based): chr4:102,690,614, T>C on the plus strand (A>G on the coding strand, the complement: MANBA is on the minus strand). VCF-style: chr4-102690614-T-C. GRCh37 (hg19) VCF-style: chr4-103611771-T-C.
Identifiers: ClinVar variation 347095 (VCV000347095.20), dbSNP rs17033168, ClinGen allele CA3027094.

ClinVar aggregate classification (germline): Benign. Review status: criteria provided, multiple submitters, no conflicts (2 of 4 stars). 6 submissions from 6 submitters: Benign (5). 1 of the submissions does not count toward it. Last evaluated 2026-02-04.

Conditions:
Beta-D-mannosidosis (MANSB). Also called: LYSOSOMAL BETA-MANNOSIDASE DEFICIENCY; Beta-Mannosidosis; MANNOSIDOSIS, BETA A, LYSOSOMAL; BETA-MANNOSIDASE DEFICIENCY. Identifiers: Orphanet 118, MedGen C4048196, MONDO:0009562, OMIM 248510.

Allele frequency attached by ClinVar (database versions not stated): ESP Exome Variant Server 0.04621; gnomAD exomes 0.00488 and 0.01208; ExAC 0.01485; gnomAD 0.04016 and 0.04331; TOPMed 0.04557; 1000 Genomes Project 30x 0.04591; 1000 Genomes Project 0.04193.
gnomAD v4.1: 13,616 of 1,611,444 alleles (0.84%); highest among the groups gnomAD compares: African/African-American, 14%; 779 homozygotes.

Submissions (6):

Labcorp Genetics (formerly Invitae), Labcorp
Classification: Benign for Beta-D-mannosidosis. Last evaluated: 2026-02-04. Review status: criteria provided, single submitter. Criteria: Invitae Variant Classification Sherloc (09022015). Collection method: clinical testing. Allele origin: germline.

GeneDx
Classification: Benign. Last evaluated: 2019-03-24. Review status: criteria provided, single submitter. Criteria: GeneDx Variant Classification Process June 2021. Collection method: clinical testing. Allele origin: germline. Affected: yes.

Athena Diagnostics
Classification: Benign. Last evaluated: 2019-02-27. Review status: criteria provided, single submitter. Criteria: Athena Diagnostics Criteria. Collection method: clinical testing. Allele origin: germline.

Illumina Laboratory Services, Illumina
Classification: Benign for Beta-D-mannosidosis. Last evaluated: 2018-01-12. Review status: criteria provided, single submitter. Criteria: ICSL Variant Classification Criteria 13 December 2019. Collection method: clinical testing. Allele origin: germline.
Comment: This variant was observed in the ICSL laboratory as part of a predisposition screen in an ostensibly healthy population. It had not been previously curated by ICSL or reported in the Human Gene Mutation Database (HGMD: prior to June 1st, 2018), and was therefore a candidate for classification through an automated scoring system. Utilizing variant allele frequency, disease prevalence and penetrance estimates, and inheritance mode, an automated score was calculated to assess if this variant is too frequent to cause the disease. Based on the score and internal cut-off values, a variant classified as benign is not then subjected to further curation. The score for this variant resulted in a classification of benign for this disease.

Breakthrough Genomics
Classification: Benign. Review status: criteria provided, single submitter. Criteria: ACMG Guidelines, 2015. Collection method: not provided. Allele origin: germline. Inheritance: Autosomal recessive inheritance. Affected: yes.

Mayo Clinic Laboratories, Mayo Clinic
Classification: Benign. Last evaluated: 2017-04-25. Review status: no assertion criteria provided. Collection method: clinical testing. Allele origin: unknown. Not counted in ClinVar's aggregate classification.